The following is an entry in ClinVar:

ClinVar aggregate classification (germline): Uncertain significance. Review status: criteria provided, multiple submitters, no conflicts (2 of 4 stars). 3 submissions from 3 submitters: Uncertain significance (3). Last evaluated 2025-08-01.

Conditions:
Eichsfeld type congenital muscular dystrophy (CMYO3). Also called: Rigid spine muscular dystrophy 1; MYOPATHY, SEPN1-RELATED; SELENON-related myopathy; Congenital myopathy 3 with rigid spine. Identifiers: MedGen C0410180, MONDO:0100100, OMIM 602771.
Inborn genetic diseases. Identifiers: MedGen C0950123, MeSH D030342.

Allele frequency attached by ClinVar (database versions not stated): gnomAD 0.00002; TOPMed 0.00003.
gnomAD v4.1: 28 of 1,612,622 alleles (0.0017%); highest among the groups gnomAD compares: East Asian, 0.0067%; no homozygotes.

Submissions (3):

Ambry Genetics
Classification: Uncertain significance for Inborn genetic diseases. Last evaluated: 2025-08-01. Review status: criteria provided, single submitter. Criteria: Ambry Variant Classification Scheme 2023. Collection method: clinical testing. Allele origin: germline.

Revvity Omics, Revvity
Classification: Uncertain significance for Eichsfeld type congenital muscular dystrophy. Last evaluated: 2023-04-10. Review status: criteria provided, single submitter. Criteria: ACMG Guidelines, 2015. Collection method: clinical testing. Allele origin: germline.

Labcorp Genetics (formerly Invitae), Labcorp
Classification: Uncertain significance for Eichsfeld type congenital muscular dystrophy. Last evaluated: 2022-07-06. Review status: criteria provided, single submitter. Criteria: Invitae Variant Classification Sherloc (09022015). Collection method: clinical testing. Allele origin: germline.
Comment: This sequence change replaces aspartic acid, which is acidic and polar, with asparagine, which is neutral and polar, at codon 438 of the SELENON protein (p.Asp438Asn). This variant is present in population databases (rs200146431, gnomAD 0.01%). This variant has not been reported in the literature in individuals affected with SELENON-related conditions. ClinVar contains an entry for this variant (Variation ID: 1052506). Algorithms developed to predict the effect of missense changes on protein structure and function are either unavailable or do not agree on the potential impact of this missense change (SIFT: "Deleterious"; PolyPhen-2: "Benign"; Align-GVGD: "Class C0"). In summary, the available evidence is currently insufficient to determine the role of this variant in disease. Therefore, it has been classified as a Variant of Uncertain Significance.

NM_206926.2(SELENON):c.1210G>A (p.Asp404Asn)

Gene: SELENON (selenoprotein N; plus strand). Cytogenetic location: 1p36.11.
Variant type: single nucleotide variant.
Coding change: c.1210G>A on transcript NM_206926.2 (MANE Select); coding-DNA position 1210, G replaced by A.
Protein change: p.Asp404Asn; replaces aspartic acid 404 with asparagine.
Molecular consequence: missense variant.
Genome position (GRCh38, 1-based): chr1:25,812,717, G>A. VCF-style: chr1-25812717-G-A. GRCh37 (hg19) VCF-style: chr1-26139208-G-A.
Other names: c.1312G>A, p.Asp438Asn (NM_020451.3); c.1312G>A (NM_020451.2); short protein forms D404N, D438N.
Identifiers: ClinVar variation 1052506 (VCV001052506.11), dbSNP rs200146431, ClinGen allele CA696827.
Genomic context (GRCh38, chr1:25,812,717, plus strand): 5'-TGGCTTCGCTCTGTCTCGGTGTGGCCCCAGGTCTCCTACTTGCCGTTCACTGAGGCCTTC[G>A]ACCGAGCCAAGGCTGAGAACAAGCTGGTGCACTCAATCCTGCTGTGGGGGGCCCTGGATG-3'
Protein context (NP_996809.1, residues 394-414): VSYLPFTEAF[Asp404Asn]RAKAENKLVH